The following is an entry in ClinVar:

ClinVar aggregate classification (germline): Uncertain significance. Review status: criteria provided, multiple submitters, no conflicts (2 of 4 stars). 2 submissions from 2 submitters: Uncertain significance (2). Last evaluated 2022-06-08.

Conditions:
Cardiovascular phenotype. Identifiers: MedGen CN230736.
RASopathy. Also called: Noonan spectrum disorder; rasopathies. Identifiers: Orphanet 536391, MedGen C5555857, MONDO:0021060.

gnomAD v4.1: 2 of 1,613,906 alleles (0.00012%); highest among the groups gnomAD compares: African/African-American, 0.0027%; no homozygotes.

Submissions (2):

Labcorp Genetics (formerly Invitae), Labcorp
Classification: Uncertain significance for RASopathy. Last evaluated: 2022-06-08. Review status: criteria provided, single submitter. Criteria: Invitae Variant Classification Sherloc (09022015). Collection method: clinical testing. Allele origin: germline.
Comment: In summary, the available evidence is currently insufficient to determine the role of this variant in disease. Therefore, it has been classified as a Variant of Uncertain Significance. Algorithms developed to predict the effect of missense changes on protein structure and function (SIFT, PolyPhen-2, Align-GVGD) all suggest that this variant is likely to be tolerated. This variant has not been reported in the literature in individuals affected with RAF1-related conditions. This variant is not present in population databases (gnomAD no frequency). This sequence change replaces leucine, which is neutral and non-polar, with isoleucine, which is neutral and non-polar, at codon 194 of the RAF1 protein (p.Leu194Ile).

Ambry Genetics
Classification: Uncertain significance for Cardiovascular phenotype. Last evaluated: 2022-02-04. Review status: criteria provided, single submitter. Criteria: Ambry Variant Classification Scheme 2023. Collection method: clinical testing. Allele origin: germline.
Comment: The p.L194I variant (also known as c.580T>A), located in coding exon 4 of the RAF1 gene, results from a T to A substitution at nucleotide position 580. The leucine at codon 194 is replaced by isoleucine, an amino acid with highly similar properties. This amino acid position is conserved. In addition, the in silico prediction for this alteration is inconclusive. Since supporting evidence is limited at this time, the clinical significance of this alteration remains unclear.

NM_002880.4(RAF1):c.580T>A (p.Leu194Ile)

Gene: RAF1 (Raf-1 proto-oncogene, serine/threonine kinase; minus strand). Cytogenetic location: 3p25.2.
Variant type: single nucleotide variant.
Coding change: c.580T>A on transcript NM_002880.4 (MANE Select); coding-DNA position 580, T replaced by A.
Protein change: p.Leu194Ile; replaces leucine 194 with isoleucine.
Molecular consequence: missense variant. On other transcripts: non-coding transcript variant (3).
Genome position (GRCh38, 1-based): chr3:12,608,767, A>T on the plus strand (T>A on the coding strand, the complement: RAF1 is on the minus strand). VCF-style: chr3-12608767-A-T. GRCh37 (hg19) VCF-style: chr3-12650266-A-T.
Other names: c.580T>A, p.Leu194Ile (NM_001354689.3, NM_001354690.3); c.337T>A, p.Leu113Ile (NM_001354691.3, NM_001354692.3, NM_001354694.3); c.580T>A, p.Phe194Ile (NM_001354693.3); c.337T>A, p.Phe113Ile (NM_001354695.3); short protein forms L194I, F113I, F194I, L113I.
Identifiers: ClinVar variation 1749842 (VCV001749842.7), dbSNP rs1251823934, ClinGen allele CA351516283.